The following is an entry in ClinVar:

ClinVar aggregate classification (germline): Uncertain significance. Review status: criteria provided, multiple submitters, no conflicts (2 of 4 stars). 4 submissions from 4 submitters: Uncertain significance (4). Last evaluated 2025-07-13.

Conditions:
Inborn genetic diseases. Identifiers: MedGen C0950123, MeSH D030342.
Charcot-Marie-Tooth disease dominant intermediate B (CMTDIB). Also called: CHARCOT-MARIE-TOOTH NEUROPATHY, DOMINANT INTERMEDIATE B; Charcot-Marie-Tooth disease dominant intermediate 1; CMT DI1; Charcot-Marie-Tooth disease dominant intermediate I. Identifiers: Orphanet 100044, Orphanet 228179, MedGen C1847902, MONDO:0011674, OMIM 606482.

Allele frequency attached by ClinVar (database versions not stated): gnomAD 0.00001; gnomAD exomes 0.00001; TOPMed 0.00001.
gnomAD v4.1: 23 of 1,614,094 alleles (0.0014%); highest among the groups gnomAD compares: Non-Finnish European, 0.0019%; no homozygotes.

Submissions (4):

Labcorp Genetics (formerly Invitae), Labcorp
Classification: Uncertain significance for Charcot-Marie-Tooth disease dominant intermediate B. Last evaluated: 2025-07-13. Review status: criteria provided, single submitter. Criteria: Invitae Variant Classification Sherloc (09022015). Collection method: clinical testing. Allele origin: germline.
Comment: This sequence change replaces asparagine, which is neutral and polar, with serine, which is neutral and polar, at codon 112 of the DNM2 protein (p.Asn112Ser). This variant is present in population databases (no rsID available, gnomAD 0.007%). This variant has not been reported in the literature in individuals affected with DNM2-related conditions. ClinVar contains an entry for this variant (Variation ID: 1018062). Invitae Evidence Modeling of protein sequence and biophysical properties (such as structural, functional, and spatial information, amino acid conservation, physicochemical variation, residue mobility, and thermodynamic stability) has been performed for this missense variant. However, the output from this modeling did not meet the statistical confidence thresholds required to predict the impact of this variant on DNM2 protein function. In summary, the available evidence is currently insufficient to determine the role of this variant in disease. Therefore, it has been classified as a Variant of Uncertain Significance.

CeGaT Center for Human Genetics Tuebingen
Classification: Uncertain significance. Last evaluated: 2025-07-01. Review status: criteria provided, single submitter. Criteria: CeGaT Center For Human Genetics Tuebingen Variant Classification Criteria Version 2. Collection method: clinical testing. Allele origin: germline. Affected: yes. Observed: 1 variant allele.

Ambry Genetics
Classification: Uncertain significance for Inborn genetic diseases. Last evaluated: 2025-04-24. Review status: criteria provided, single submitter. Criteria: Ambry Variant Classification Scheme 2023. Collection method: clinical testing. Allele origin: germline.

Women's Health and Genetics/Laboratory Corporation of America, LabCorp
Classification: Uncertain significance. Last evaluated: 2025-04-15. Review status: criteria provided, single submitter. Criteria: LabCorp Variant Classification Summary - May 2015. Collection method: clinical testing. Allele origin: germline.
Comment: Variant summary: DNM2 c.335A>G (p.Asn112Ser) results in a conservative amino acid change in the encoded protein sequence. Three of five in-silico tools predict a damaging effect of the variant on protein function. The variant was absent in 251454 control chromosomes. The available data on variant occurrences in the general population are insufficient to allow any conclusion about variant significance. To our knowledge, no occurrence of c.335A>G in individuals affected with Charcot-Marie-Tooth disease dominant intermediate B and no experimental evidence demonstrating its impact on protein function have been reported. ClinVar contains an entry for this variant (Variation ID: 1018062). Based on the evidence outlined above, the variant was classified as uncertain significance.

NM_001005361.3(DNM2):c.335A>G (p.Asn112Ser)

Gene: DNM2 (dynamin 2; plus strand). Cytogenetic location: 19p13.2.
Variant type: single nucleotide variant.
Coding change: c.335A>G on transcript NM_001005361.3 (MANE Select); coding-DNA position 335, A replaced by G.
Protein change: p.Asn112Ser; replaces asparagine 112 with serine.
Molecular consequence: missense variant.
Genome position (GRCh38, 1-based): chr19:10,772,578, A>G. VCF-style: chr19-10772578-A-G. GRCh37 (hg19) VCF-style: chr19-10883254-A-G.
Other names: c.335A>G, p.Asn112Ser (NM_001190716.2, NM_004945.4, NM_001005360.3 and 1 more transcripts); c.335A>G (NM_001005360.2); short protein forms N112S.
Identifiers: ClinVar variation 1018062 (VCV001018062.19), dbSNP rs1220312465, ClinGen allele CA404041872.